The following is an entry in ClinVar:

ClinVar aggregate classification (germline): Uncertain significance. Review status: criteria provided, multiple submitters, no conflicts (2 of 4 stars). 2 submissions from 2 submitters: Uncertain significance (2). Last evaluated 2024-01-16.

Allele frequency attached by ClinVar (database versions not stated): ExAC 0.00002; gnomAD exomes 0.00002; gnomAD 0.00003 and 0.00004; TOPMed 0.00003; ESP Exome Variant Server 0.00008.

Submissions (2):

Labcorp Genetics (formerly Invitae), Labcorp
Classification: Uncertain significance. Last evaluated: 2024-01-16. Review status: criteria provided, single submitter. Criteria: Invitae Variant Classification Sherloc (09022015). Collection method: clinical testing. Allele origin: germline.
Comment: This sequence change creates a premature translational stop signal (p.Leu839Profs*14) in the NLRP1 gene. It is expected to result in an absent or disrupted protein product. However, the current clinical and genetic evidence is not sufficient to establish whether loss-of-function variants in NLRP1 cause disease. This variant is present in population databases (rs774360167, gnomAD 0.004%). This variant has not been reported in the literature in individuals affected with NLRP1-related conditions. ClinVar contains an entry for this variant (Variation ID: 1425055). Experimental studies and prediction algorithms are not available or were not evaluated, and the functional significance of this variant is currently unknown. In summary, the available evidence is currently insufficient to determine the role of this variant in disease. Therefore, it has been classified as a Variant of Uncertain Significance.

Blueprint Genetics
Classification: Uncertain significance. Last evaluated: 2023-04-24. Review status: criteria provided, single submitter. Criteria: ACMG Guidelines, 2015. Collection method: clinical testing. Allele origin: germline.

NM_033004.4(NLRP1):c.2513dup (p.Leu839fs)

Gene: NLRP1 (NLR family pyrin domain containing 1; minus strand). Cytogenetic location: 17p13.2.
Variant type: Duplication.
Coding change: c.2513dup on transcript NM_033004.4 (MANE Select); coding-DNA position 2513, one base duplicated (T; older notation c.2513dupT).
Protein change: p.Leu839fs; shifts the reading frame from leucine 839.
Molecular consequence: frameshift variant.
Genome position (GRCh38, 1-based): chr17:5,553,401, A duplicated on the plus strand (T on the coding strand, the reverse complement: NLRP1 is on the minus strand). VCF-style (leftmost placement, unchanged base first): chr17-5553400-G-GA. GRCh37 (hg19) VCF-style: chr17-5456720-G-GA.
Other names: c.2513dup, p.Leu839fs (NM_001033053.3, NM_014922.5, NM_033006.4 and 1 more transcripts); short protein forms L839fs.
Identifiers: ClinVar variation 1425055 (VCV001425055.7), dbSNP rs774360167, ClinGen allele CA8327149.